The following is an entry in ClinVar:

NM_001369268.1(ACAN):c.1402G>C (p.Val468Leu)

Gene: ACAN (aggrecan; plus strand). Cytogenetic location: 15q26.1.
Variant type: single nucleotide variant.
Coding change: c.1402G>C on transcript NM_001369268.1 (MANE Select); coding-DNA position 1402, G replaced by C.
Protein change: p.Val468Leu; replaces valine 468 with leucine.
Molecular consequence: missense variant.
Genome position (GRCh38, 1-based): chr15:88,845,855, G>C. VCF-style: chr15-88845855-G-C. GRCh37 (hg19) VCF-style: chr15-89389086-G-C.
Other names: c.1402G>C, p.Val468Leu (NM_001135.4, NM_013227.4); c.1402G>C (NM_013227.3); short protein forms V468L.
Identifiers: ClinVar variation 1376861 (VCV001376861.7), dbSNP rs2141582748, ClinGen allele CA393710279.

ClinVar aggregate classification (germline): Uncertain significance. Review status: criteria provided, multiple submitters, no conflicts (2 of 4 stars). 2 submissions from 2 submitters: Uncertain significance (2). Last evaluated 2025-09-27.

Conditions:
Inborn genetic diseases. Identifiers: MedGen C0950123, MeSH D030342.

Submissions (2):

Labcorp Genetics (formerly Invitae), Labcorp
Classification: Uncertain significance. Last evaluated: 2025-09-27. Review status: criteria provided, single submitter. Criteria: Invitae Variant Classification Sherloc (09022015). Collection method: clinical testing. Allele origin: germline.
Comment: This sequence change replaces valine, which is neutral and non-polar, with leucine, which is neutral and non-polar, at codon 468 of the ACAN protein (p.Val468Leu). This variant is not present in population databases (gnomAD no frequency). This variant has not been reported in the literature in individuals affected with ACAN-related conditions. ClinVar contains an entry for this variant (Variation ID: 1376861). Invitae Evidence Modeling of protein sequence and biophysical properties (such as structural, functional, and spatial information, amino acid conservation, physicochemical variation, residue mobility, and thermodynamic stability) indicates that this missense variant is not expected to disrupt ACAN protein function with a negative predictive value of 80%. In summary, the available evidence is currently insufficient to determine the role of this variant in disease. Therefore, it has been classified as a Variant of Uncertain Significance.

Ambry Genetics
Classification: Uncertain significance for Inborn genetic diseases. Last evaluated: 2025-02-09. Review status: criteria provided, single submitter. Criteria: Ambry Variant Classification Scheme 2023. Collection method: clinical testing. Allele origin: germline.